The following is an entry in ClinVar:

ClinVar aggregate classification (germline): Likely benign. Review status: criteria provided, multiple submitters, no conflicts (2 of 4 stars). 7 submissions from 7 submitters: Likely benign (6). 1 of the submissions does not count toward it. Last evaluated 2025-11-10.

Conditions:
Familial thoracic aortic aneurysm and aortic dissection (TAAD). Also called: Thoracic aortic aneurysms and dissections. Identifiers: Orphanet 91387, MedGen C4707243, MONDO:0019625.
Aortic aneurysm, familial thoracic 4 (AAT4). Also called: AORTIC ANEURYSM/AORTIC DISSECTION AND PATENT DUCTUS ARTERIOSUS. Identifiers: MedGen C1851504, MONDO:0007568, OMIM 132900.
MYH11-related disorder. Also called: MYH11-related condition.

Allele frequency attached by ClinVar (database versions not stated): ExAC 0.00002; gnomAD exomes 0.00003 and 0.00004; gnomAD 0.00004 and 0.00005; TOPMed 0.00007.
gnomAD v4.1: 68 of 1,614,132 alleles (0.0042%); highest among the groups gnomAD compares: African/African-American, 0.0093%; no homozygotes.

Submissions (7):

Labcorp Genetics (formerly Invitae), Labcorp
Classification: Likely benign for Aortic aneurysm, familial thoracic 4. Last evaluated: 2025-11-10. Review status: criteria provided, single submitter. Criteria: Invitae Variant Classification Sherloc (09022015). Collection method: clinical testing. Allele origin: germline.

CeGaT Center for Human Genetics Tuebingen
Classification: Likely benign. Last evaluated: 2025-06-01. Review status: criteria provided, single submitter. Criteria: CeGaT Center For Human Genetics Tuebingen Variant Classification Criteria Version 2. Collection method: clinical testing. Allele origin: germline. Affected: yes. Observed: 1 variant allele.
Comment: MYH11: BP4, BP7

All of Us Research Program, National Institutes of Health
Classification: Likely benign for Familial thoracic aortic aneurysm and aortic dissection. Last evaluated: 2023-12-18. Review status: criteria provided, single submitter. Criteria: ACMG Guidelines, 2015. Collection method: clinical testing. Allele origin: germline. Inheritance: Autosomal dominant inheritance. Observed: 8 variant alleles, 8 heterozygotes.
Comment: This study involves interpretation of variants in research participants for the purpose of population health screening. Participant phenotype was not available at the time of variant classification. Additional details can be found in publication PMID: 35346344, PMCID: PMC8962531

Blueprint Genetics
Classification: Likely benign. Last evaluated: 2021-12-29. Review status: criteria provided, single submitter. Criteria: ACMG Guidelines, 2015. Collection method: clinical testing. Allele origin: germline.

Color Diagnostics, LLC DBA Color Health
Classification: Likely benign for Familial thoracic aortic aneurysm and aortic dissection. Last evaluated: 2018-11-21. Review status: criteria provided, single submitter. Criteria: ACMG Guidelines, 2015. Collection method: clinical testing. Allele origin: germline.

Ambry Genetics
Classification: Likely benign for Familial thoracic aortic aneurysm and aortic dissection. Last evaluated: 2017-10-13. Review status: criteria provided, single submitter. Criteria: Ambry Variant Classification Scheme 2023. Collection method: clinical testing. Allele origin: germline.

PreventionGenetics, part of Exact Sciences
Classification: Likely benign for MYH11-related condition. Last evaluated: 2019-12-27. Review status: no assertion criteria provided. Collection method: clinical testing. Allele origin: germline. Not counted in ClinVar's aggregate classification.
Comment: This variant is classified as likely benign based on ACMG/AMP sequence variant interpretation guidelines (Richards et al. 2015 PMID: 25741868, with internal and published modifications).

NM_002474.3(MYH11):c.3612G>A (p.Ala1204=)

Gene: MYH11 (myosin heavy chain 11; minus strand). Cytogenetic location: 16p13.11.
Variant type: single nucleotide variant.
Coding change: c.3612G>A on transcript NM_002474.3 (MANE Select); coding-DNA position 3612, G replaced by A.
Protein change: p.Ala1204=; no amino-acid change (alanine 1204 retained).
Molecular consequence: synonymous variant.
Genome position (GRCh38, 1-based): chr16:15,732,603, C>T on the plus strand (G>A on the coding strand, the complement: MYH11 is on the minus strand). VCF-style: chr16-15732603-C-T. GRCh37 (hg19) VCF-style: chr16-15826460-C-T.
Other names: c.3633G>A, p.Ala1211= (NM_001040113.2, NM_001040114.2); c.3612G>A, p.Ala1204= (NM_022844.3).
Identifiers: ClinVar variation 519964 (VCV000519964.42), dbSNP rs771698839, ClinGen allele CA7921950.
Genomic context (GRCh38, chr16:15,732,603, plus strand): 5'-AGCATCACCAAAAAGCATTACCCTCTTGAACTGCTCAAGCTGCTCTGTGAGCTCCTCCAC[C>T]GCCTGTGCGTGTTTCTGCCTCATCTCCTGGACCTGAGCCTCATGGGACCGCGTCTCTTCA-3'
Protein context (NP_002465.1, residues 1194-1214): VQEMRQKHAQ[Ala1204=]VEELTEQLEQ